The following is an entry in ClinVar:

ClinVar aggregate classification (germline): Uncertain significance. Review status: criteria provided, multiple submitters, no conflicts (2 of 4 stars). 2 submissions from 2 submitters: Uncertain significance (2). Last evaluated 2024-04-25.

Allele frequency attached by ClinVar (database versions not stated): gnomAD exomes below 0.00001; TOPMed 0.00001.
gnomAD v4.1: 4 of 1,613,946 alleles (0.00025%); highest among the groups gnomAD compares: Non-Finnish European, 0.00025%; no homozygotes.

Submissions (2):

Women's Health and Genetics/Laboratory Corporation of America, LabCorp
Classification: Uncertain significance. Last evaluated: 2024-04-25. Review status: criteria provided, single submitter. Criteria: LabCorp Variant Classification Summary - May 2015. Collection method: clinical testing. Allele origin: germline.
Comment: Variant summary: PHIP c.5311C>G (p.Gln1771Glu) results in a conservative amino acid change in the encoded protein sequence. Three of five in-silico tools predict a benign effect of the variant on protein function. The variant was absent in 251146 control chromosomes. The available data on variant occurrences in the general population are insufficient to allow any conclusion about variant significance. To our knowledge, no occurrence of c.5311C>G in individuals affected with Developmental Delay, Intellectual Disability, Obesity, And Dysmorphic Features and no experimental evidence demonstrating its impact on protein function have been reported. ClinVar contains an entry for this variant (Variation ID: 2731919). Based on the evidence outlined above, the variant was classified as uncertain significance.

Labcorp Genetics (formerly Invitae), Labcorp
Classification: Uncertain significance. Last evaluated: 2023-04-03. Review status: criteria provided, single submitter. Criteria: Invitae Variant Classification Sherloc (09022015). Collection method: clinical testing. Allele origin: germline.
Comment: In summary, the available evidence is currently insufficient to determine the role of this variant in disease. Therefore, it has been classified as a Variant of Uncertain Significance. Advanced modeling of protein sequence and biophysical properties (such as structural, functional, and spatial information, amino acid conservation, physicochemical variation, residue mobility, and thermodynamic stability) performed at Invitae indicates that this missense variant is not expected to disrupt PHIP protein function. This variant has not been reported in the literature in individuals affected with PHIP-related conditions. This variant is not present in population databases (gnomAD no frequency). This sequence change replaces glutamine, which is neutral and polar, with glutamic acid, which is acidic and polar, at codon 1771 of the PHIP protein (p.Gln1771Glu).

NM_017934.7(PHIP):c.5311C>G (p.Gln1771Glu)

Genes: IRAK1BP1 (interleukin 1 receptor associated kinase 1 binding protein 1; plus strand), PHIP (PHIP subunit of CUL4-Ring ligase complex; minus strand). Cytogenetic location: 6q14.1.
Variant type: single nucleotide variant.
Coding change: c.5311C>G on transcript NM_017934.7 (MANE Select); coding-DNA position 5311, C replaced by G.
Protein change: p.Gln1771Glu; replaces glutamine 1771 with glutamic acid.
Molecular consequence: missense variant.
Genome position (GRCh38, 1-based): chr6:78,940,848, G>C on the plus strand (C>G on the coding strand, the complement: PHIP is on the minus strand). VCF-style: chr6-78940848-G-C. GRCh37 (hg19) VCF-style: chr6-79650565-G-C.
Other names: short protein forms Q1771E.
Identifiers: ClinVar variation 2731919 (VCV002731919.4), dbSNP rs199801449, ClinGen allele CA141840623.